The following is an entry in ClinVar:

NM_001365536.1(SCN9A):c.3332A>G (p.Asp1111Gly)

Genes: SCN1A-AS1 (SCN1A and SCN9A antisense RNA 1; plus strand), SCN9A (sodium voltage-gated channel alpha subunit 9; minus strand). Cytogenetic location: 2q24.3.
Variant type: single nucleotide variant.
Coding change: c.3332A>G on transcript NM_001365536.1 (MANE Select); coding-DNA position 3332, A replaced by G.
Protein change: p.Asp1111Gly; replaces aspartic acid 1111 with glycine.
Molecular consequence: missense variant.
Genome position (GRCh38, 1-based): chr2:166,272,418, T>C on the plus strand (A>G on the coding strand, the complement: SCN9A is on the minus strand). VCF-style: chr2-166272418-T-C. GRCh37 (hg19) VCF-style: chr2-167128928-T-C.
Other names: c.3299A>G, p.Asp1100Gly (NM_002977.4); short protein forms D1100G, D1111G.
Identifiers: ClinVar variation 1053830 (VCV001053830.10), dbSNP rs753287730, ClinGen allele CA1944097.

ClinVar aggregate classification (germline): Uncertain significance (1 of 4 stars; one submission).

Conditions:
Primary erythromelalgia. Also called: SCN9A Erythromelalgia (SCN9A-EM); primary erythermalgia. Identifiers: Orphanet 306577, Orphanet 90026, MedGen C0014805, MONDO:0007571, OMIM 133020.
Neuropathy, hereditary sensory and autonomic, type 2A (HSAN2A). Also called: ACROOSTEOLYSIS, GIACCAI TYPE; ACROOSTEOLYSIS, NEUROGENIC; MORVAN DISEASE; NEUROPATHY, CONGENITAL SENSORY; NEUROPATHY, HEREDITARY SENSORY RADICULAR, AUTOSOMAL RECESSIVE; NEUROPATHY, HEREDITARY SENSORY, TYPE IIA. Identifiers: Orphanet 970, MedGen C2752089, MONDO:0024309, OMIM 201300.
Paroxysmal extreme pain disorder (PEXPD). Also called: PAIN, SUBMANDIBULAR, OCULAR, AND RECTAL, WITH FLUSHING; RECTAL PAIN, FAMILIAL; SCN9A Paroxysmal Extreme Pain Disorder (SCN9A-PEPD). Identifiers: Orphanet 46348, MedGen C1833661, MONDO:0008179, OMIM 167400.
Channelopathy-associated congenital insensitivity to pain, autosomal recessive. Also called: ASYMBOLIA FOR PAIN; CONGENITAL ANALGESIA, AUTOSOMAL RECESSIVE; Insensitivity to pain, channelopathy-associated. Identifiers: Orphanet 88642, Orphanet 970, MedGen C1855739, MONDO:0009459, OMIM 243000.
Generalized epilepsy with febrile seizures plus. Also called: Generalized Epilepsy with Febrile Seizures Plus (GEFS+). Identifiers: Orphanet 36387, MedGen C3502809, MONDO:0018214.
Generalized epilepsy with febrile seizures plus, type 7 (GEFSP7). Also called: GEFS+, TYPE 7. Identifiers: Orphanet 36387, MedGen C2751778, MONDO:0013470, OMIM 613863.

Allele frequency attached by ClinVar (database versions not stated): ExAC 0.00003.

Submission:

Labcorp Genetics (formerly Invitae), Labcorp
Classification: Uncertain significance for Neuropathy, hereditary sensory and autonomic, type 2A; Generalized epilepsy with febrile seizures plus, type 7. Last evaluated: 2025-07-23. Review status: criteria provided, single submitter. Criteria: Invitae Variant Classification Sherloc (09022015). Collection method: clinical testing. Allele origin: germline.
Comment: This sequence change replaces aspartic acid, which is acidic and polar, with glycine, which is neutral and non-polar, at codon 1100 of the SCN9A protein (p.Asp1100Gly). This variant is present in population databases (rs753287730, gnomAD 0.02%). This missense change has been observed in individual(s) with clinical features of SCN9A-related conditions (internal data). ClinVar contains an entry for this variant (Variation ID: 1053830). Invitae Evidence Modeling of protein sequence and biophysical properties (such as structural, functional, and spatial information, amino acid conservation, physicochemical variation, residue mobility, and thermodynamic stability) indicates that this missense variant is not expected to disrupt SCN9A protein function with a negative predictive value of 95%. In summary, the available evidence is currently insufficient to determine the role of this variant in disease. Therefore, it has been classified as a Variant of Uncertain Significance.